The following is an entry in ClinVar:

ClinVar aggregate classification (germline): Uncertain significance. Review status: criteria provided, multiple submitters, no conflicts (2 of 4 stars). 2 submissions from 2 submitters: Uncertain significance (2). Last evaluated 2025-08-27.

Conditions:
Inborn genetic diseases. Identifiers: MedGen C0950123, MeSH D030342.

Allele frequency attached by ClinVar (database versions not stated): 1000 Genomes Project 0.00040; 1000 Genomes Project 30x 0.00047.
gnomAD v4.1: 3 of 1,611,182 alleles (0.00019%); highest among the groups gnomAD compares: Admixed American, 0.005%; no homozygotes.

Submissions (2):

Ambry Genetics
Classification: Uncertain significance for Inborn genetic diseases. Last evaluated: 2025-08-27. Review status: criteria provided, single submitter. Criteria: Ambry Variant Classification Scheme 2023. Collection method: clinical testing. Allele origin: germline.

Labcorp Genetics (formerly Invitae), Labcorp
Classification: Uncertain significance. Last evaluated: 2022-08-16. Review status: criteria provided, single submitter. Criteria: Invitae Variant Classification Sherloc (09022015). Collection method: clinical testing. Allele origin: germline.
Comment: In summary, the available evidence is currently insufficient to determine the role of this variant in disease. Therefore, it has been classified as a Variant of Uncertain Significance. Algorithms developed to predict the effect of missense changes on protein structure and function are either unavailable or do not agree on the potential impact of this missense change (SIFT: "Tolerated"; PolyPhen-2: "Possibly Damaging"; Align-GVGD: "Class C0"). ClinVar contains an entry for this variant (Variation ID: 1493397). This variant has not been reported in the literature in individuals affected with PLAA-related conditions. This variant is present in population databases (rs373582820, gnomAD 0.006%). This sequence change replaces tyrosine, which is neutral and polar, with asparagine, which is neutral and polar, at codon 523 of the PLAA protein (p.Tyr523Asn).

NM_001031689.3(PLAA):c.1567T>A (p.Tyr523Asn)

Gene: PLAA (phospholipase A2 activating protein; minus strand). Cytogenetic location: 9p21.2.
Variant type: single nucleotide variant.
Coding change: c.1567T>A on transcript NM_001031689.3 (MANE Select); coding-DNA position 1567, T replaced by A.
Protein change: p.Tyr523Asn; replaces tyrosine 523 with asparagine.
Molecular consequence: missense variant.
Genome position (GRCh38, 1-based): chr9:26,910,428, A>T on the plus strand (T>A on the coding strand, the complement: PLAA is on the minus strand). VCF-style: chr9-26910428-A-T. GRCh37 (hg19) VCF-style: chr9-26910426-A-T.
Other names: c.1567T>A (NM_001031689.2); c.1498T>A, p.Tyr500Asn (NM_001321546.2); short protein forms Y500N, Y523N.
Identifiers: ClinVar variation 1493397 (VCV001493397.5), dbSNP rs373582820, ClinGen allele CA5014284.